The following is an entry in ClinVar:

NM_001963.6(EGF):c.352del (p.Val118fs)

Gene: EGF (epidermal growth factor; plus strand). Cytogenetic location: 4q25.
Variant type: Deletion.
Coding change: c.352del on transcript NM_001963.6 (MANE Select); coding-DNA position 352, one base deleted (G; older notation c.352delG).
Protein change: p.Val118fs; shifts the reading frame from valine 118.
Molecular consequence: frameshift variant.
Genome position (GRCh38, 1-based): chr4:109,943,278, G deleted. VCF-style (leftmost placement, unchanged base first): chr4-109943277-TG-T. GRCh37 (hg19) VCF-style: chr4-110864433-TG-T.
Other names: c.352del, p.Val118fs (NM_001178130.3, NM_001178131.3, NM_001357021.2); short protein forms V118fs.
Identifiers: ClinVar variation 3678636 (VCV003678636.2).

ClinVar aggregate classification (germline): Uncertain significance (1 of 4 stars; one submission).

Submission:

Labcorp Genetics (formerly Invitae), Labcorp
Classification: Uncertain significance. Last evaluated: 2024-08-20. Review status: criteria provided, single submitter. Criteria: Invitae Variant Classification Sherloc (09022015). Collection method: clinical testing. Allele origin: germline.
Comment: This sequence change creates a premature translational stop signal (p.Val118Phefs*6) in the EGF gene. It is expected to result in an absent or disrupted protein product. However, the current clinical and genetic evidence is not sufficient to establish whether loss-of-function variants in EGF cause disease. This variant is not present in population databases (gnomAD no frequency). This variant has not been reported in the literature in individuals affected with EGF-related conditions. In summary, the available evidence is currently insufficient to determine the role of this variant in disease. Therefore, it has been classified as a Variant of Uncertain Significance.